The following is an entry in ClinVar:

ClinVar aggregate classification (germline): Uncertain significance (1 of 4 stars; one submission).

Submission:

Labcorp Genetics (formerly Invitae), Labcorp
Classification: Uncertain significance. Last evaluated: 2025-12-23. Review status: criteria provided, single submitter. Criteria: Invitae Variant Classification Sherloc (09022015). Collection method: clinical testing. Allele origin: germline.
Comment: This sequence change replaces alanine, which is neutral and non-polar, with valine, which is neutral and non-polar, at codon 297 of the CYC1 protein (p.Ala297Val). This variant is present in population databases (rs768476670, gnomAD 0.003%). This variant has not been reported in the literature in individuals affected with CYC1-related conditions. Invitae Evidence Modeling of protein sequence and biophysical properties (such as structural, functional, and spatial information, amino acid conservation, physicochemical variation, residue mobility, and thermodynamic stability) indicates that this missense variant is not expected to disrupt CYC1 protein function with a negative predictive value of 80%. In summary, the available evidence is currently insufficient to determine the role of this variant in disease. Therefore, it has been classified as a Variant of Uncertain Significance.

NM_001916.5(CYC1):c.890C>T (p.Ala297Val)

Gene: CYC1 (cytochrome c1; plus strand). Cytogenetic location: 8q24.3.
Variant type: single nucleotide variant.
Coding change: c.890C>T on transcript NM_001916.5 (MANE Select); coding-DNA position 890, C replaced by T.
Protein change: p.Ala297Val; replaces alanine 297 with valine.
Molecular consequence: missense variant.
Genome position (GRCh38, 1-based): chr8:144,097,248, C>T. VCF-style: chr8-144097248-C-T. GRCh37 (hg19) VCF-style: chr8-145152151-C-T.
Other names: short protein forms A297V.
Identifiers: ClinVar variation 4702868 (VCV004702868.1).
Genomic context (GRCh38, chr8:144,097,248, plus strand): 5'-AGGGCTCCTCCCCACTCCCTTCTCTGAGCCTTCCTTGTCTGCAGATGTTGATGATGATGG[C>T]TCTGCTGGTGCCCCTGGTCTACACCATAAAGCGGCACAAGTGGTCAGTCCTGAAGAGTCG-3'
Protein context (NP_001907.3, residues 287-307): RMGLKMLMMM[Ala297Val]LLVPLVYTIK